The following is an entry in ClinVar:

ClinVar aggregate classification (germline): Likely pathogenic (1 of 4 stars; one submission).

Conditions:
Hypertrophic cardiomyopathy 4. Also called: Familial hypertrophic cardiomyopathy 4. Identifiers: MedGen C1861862, MONDO:0007268, OMIM 115197.

Submission:

3billion
Classification: Likely pathogenic for Hypertrophic cardiomyopathy 4. Last evaluated: 2026-01-13. Review status: criteria provided, single submitter. Criteria: ACMG Guidelines, 2015. Collection method: clinical testing. Allele origin: germline. Affected: yes.
Comment: The variant is not observed in the gnomAD v4.1.0 dataset. Predicted Consequence/Location: Intron variant In silico tools predict the variant to alter splicing and produce an abnormal transcript [SpliceAI: 0.48 (>=0.2, moderate evidence for spliceogenicity)]. The variant has been reported to be associated with MYBPC3-related disorder (ClinVar ID: VCV003775974 /3billion dataset). Therefore, this variant is classified as Likely pathogenic according to the recommendation of ACMG/AMP guideline.

NM_000256.3(MYBPC3):c.927-3C>A

Gene: MYBPC3 (myosin binding protein C3; minus strand). Cytogenetic location: 11p11.2.
Variant type: single nucleotide variant.
Coding change: c.927-3C>A on transcript NM_000256.3 (MANE Select); 3 bases into the intron before coding-DNA position 927, C replaced by A.
Molecular consequence: intron variant.
Genome position (GRCh38, 1-based): chr11:47,346,373, G>T on the plus strand (C>A on the coding strand, the complement: MYBPC3 is on the minus strand). VCF-style: chr11-47346373-G-T. GRCh37 (hg19) VCF-style: chr11-47367924-G-T.
Identifiers: ClinVar variation 3775974 (VCV003775974.3).